The following is an entry in ClinVar:

NM_000127.3(EXT1):c.1906del (p.His636fs)

Gene: EXT1 (exostosin glycosyltransferase 1; minus strand). Cytogenetic location: 8q24.11.
Variant type: Deletion.
Coding change: c.1906del on transcript NM_000127.3 (MANE Select); coding-DNA position 1906, one base deleted (C; older notation c.1906delC).
Protein change: p.His636fs; shifts the reading frame from histidine 636.
Molecular consequence: frameshift variant.
Genome position (GRCh38, 1-based): chr8:117,804,871, G deleted on the plus strand (C on the coding strand, the reverse complement: EXT1 is on the minus strand); the first of 3 consecutive G bases (chr8:117,804,871-117,804,873); deleting any one gives the same sequence. VCF-style (leftmost placement, unchanged base first): chr8-117804870-TG-T. GRCh37 (hg19) VCF-style: chr8-118817109-TG-T.
Other names: short protein forms H636fs.
Identifiers: ClinVar variation 1075400 (VCV001075400.9), dbSNP rs2129694129, ClinGen allele CA2499219115.
Genomic context (GRCh38, chr8:117,804,870, plus strand): 5'-AGAATGTCCTCACAATTGGCCAATTGGTCCACCATGTTCTTCAGGCTGGCTGGCAGGTAA[TG>T]GGAGTATAGGTAGTGATAATATCTGTAAAAATCAAAGATGGGTTTCACAGGGGGCCATTA-3'

ClinVar aggregate classification (germline): Pathogenic (1 of 4 stars; one submission).

Conditions:
Multiple congenital exostosis (EXT). Also called: Multiple osteochondromas; MULTIPLE CARTILAGINOUS EXOSTOSES; Hereditary multiple exostoses; Hereditary multiple exostosis; Multiple exostoses; Hereditary multiple osteochondromas. Identifiers: Orphanet 321, MedGen C0015306, MONDO:0005508, HP:0002762.

Submission:

Labcorp Genetics (formerly Invitae), Labcorp
Classification: Pathogenic for Multiple congenital exostosis. Last evaluated: 2025-03-26. Review status: criteria provided, single submitter. Criteria: Invitae Variant Classification Sherloc (09022015). Collection method: clinical testing. Allele origin: germline.
Comment: This sequence change creates a premature translational stop signal (p.His636Ilefs*7) in the EXT1 gene. It is expected to result in an absent or disrupted protein product. Loss-of-function variants in EXT1 are known to be pathogenic (PMID: 10679937, 11391482, 19810120). This variant is not present in population databases (gnomAD no frequency). This premature translational stop signal has been observed in individual(s) with multiple osteochondromas (PMID: 10713884; internal data). This variant is also known as 1904-1906delC. ClinVar contains an entry for this variant (Variation ID: 1075400). For these reasons, this variant has been classified as Pathogenic.

Literature cited by the submitters: PubMed 10679937; PubMed 11391482; PubMed 19810120; PubMed 10713884.